The following is an entry in ClinVar:

ClinVar aggregate classification (germline): Likely benign (1 of 4 stars; one submission).

Conditions:
Hypohidrotic ectodermal dysplasia (HED). Identifiers: Orphanet 238468, MedGen C5848103, MONDO:0016535, HP:0007607.

Allele frequency attached by ClinVar (database versions not stated): gnomAD 0.00098 and 0.00105; 1000 Genomes Project 30x 0.00109; TOPMed 0.00118; 1000 Genomes Project 0.00120.

Submission:

Illumina Laboratory Services, Illumina
Classification: Likely benign for Hypohidrotic ectodermal dysplasia. Last evaluated: 2018-01-13. Review status: criteria provided, single submitter. Criteria: ICSL Variant Classification Criteria 13 December 2019. Collection method: clinical testing. Allele origin: germline.
Comment: This variant was observed in the ICSL laboratory as part of a predisposition screen in an ostensibly healthy population. It had not been previously curated by ICSL or reported in the Human Gene Mutation Database (HGMD: prior to June 1st, 2018), and was therefore a candidate for classification through an automated scoring system. Utilizing variant allele frequency, disease prevalence and penetrance estimates, and inheritance mode, an automated score was calculated to assess if this variant is too frequent to cause the disease. Based on the score and internal cut-off values, a variant classified as likely benign is not then subjected to further curation. The score for this variant resulted in a classification of likely benign for this disease.

NM_022336.4(EDAR):c.*1364T>G

Genes: EDAR (ectodysplasin A receptor; minus strand), RANBP2 (RAN binding protein 2; plus strand). Cytogenetic location: 2q13.
Variant type: single nucleotide variant.
Coding change: c.*1364T>G on transcript NM_022336.4 (MANE Select); 1364 bases downstream of the stop codon, T replaced by G.
Molecular consequence: 3 prime UTR variant.
Genome position (GRCh38, 1-based): chr2:108,895,543, A>C on the plus strand (T>G on the coding strand, the complement: EDAR is on the minus strand). VCF-style: chr2-108895543-A-C. GRCh37 (hg19) VCF-style: chr2-109511999-A-C.
Identifiers: ClinVar variation 893245 (VCV000893245.4), dbSNP rs147757790, ClinGen allele CA53463386.